The following is an entry in ClinVar:

NM_001164508.2(NEB):c.18407A>G (p.Tyr6136Cys)

Gene: NEB (nebulin; minus strand). Cytogenetic location: 2q23.3.
Variant type: single nucleotide variant.
Coding change: c.18407A>G on transcript NM_001164508.2 (MANE Select); coding-DNA position 18407, A replaced by G.
Protein change: p.Tyr6136Cys; replaces tyrosine 6136 with cysteine.
Molecular consequence: missense variant.
Genome position (GRCh38, 1-based): chr2:151,565,108, T>C on the plus strand (A>G on the coding strand, the complement: NEB is on the minus strand). VCF-style: chr2-151565108-T-C. GRCh37 (hg19) VCF-style: chr2-152421622-T-C.
Other names: c.18407A>G, p.Tyr6136Cys (NM_001164507.2, NM_001271208.2); c.13304A>G, p.Tyr4435Cys (NM_004543.5); short protein forms Y4435C, Y6136C.
Identifiers: ClinVar variation 2194525 (VCV002194525.1), dbSNP rs2096293525, ClinGen allele CA348800719.

ClinVar aggregate classification (germline): Uncertain significance (1 of 4 stars; one submission).

Conditions:
Nemaline myopathy 2 (NEM2). Also called: Nemaline myopathy 2, autosomal recessive. Identifiers: MedGen C1850569, MONDO:0009725, OMIM 256030.

Allele frequency attached by ClinVar (database versions not stated): gnomAD exomes below 0.00001; TOPMed below 0.00001; gnomAD 0.00001.
gnomAD v4.1: 2 of 1,598,018 alleles (0.00013%); highest among the groups gnomAD compares: African/African-American, 0.0013%; no homozygotes.

Submission:

Labcorp Genetics (formerly Invitae), Labcorp
Classification: Uncertain significance for Nemaline myopathy 2. Last evaluated: 2021-08-28. Review status: criteria provided, single submitter. Criteria: Invitae Variant Classification Sherloc (09022015). Collection method: clinical testing. Allele origin: germline.
Comment: This sequence change replaces tyrosine with cysteine at codon 6136 of the NEB protein (p.Tyr6136Cys). The tyrosine residue is moderately conserved and there is a large physicochemical difference between tyrosine and cysteine. This variant is not present in population databases (ExAC no frequency). This variant has not been reported in the literature in individuals affected with NEB-related conditions. Algorithms developed to predict the effect of missense changes on protein structure and function are either unavailable or do not agree on the potential impact of this missense change (SIFT: "Deleterious"; PolyPhen-2: "Not Available"; Align-GVGD: "Class C0"). Algorithms developed to predict the effect of sequence changes on RNA splicing suggest that this variant may create or strengthen a splice site. In summary, the available evidence is currently insufficient to determine the role of this variant in disease. Therefore, it has been classified as a Variant of Uncertain Significance.